The following is an entry in ClinVar:

NM_001942.4(DSG1):c.2597A>C (p.Glu866Ala)

Genes: DSG1 (desmoglein 1; plus strand), DSG1-AS1 (DSG1 antisense RNA 1; minus strand), LOC126862720 (MED14-independent group 3 enhancer GRCh37_chr18:28933613-28934812; plus strand). Cytogenetic location: 18q12.1.
Variant type: single nucleotide variant.
Coding change: c.2597A>C on transcript NM_001942.4 (MANE Select); coding-DNA position 2597, A replaced by C.
Protein change: p.Glu866Ala; replaces glutamic acid 866 with alanine.
Molecular consequence: missense variant.
Genome position (GRCh38, 1-based): chr18:31,354,793, A>C. VCF-style: chr18-31354793-A-C. GRCh37 (hg19) VCF-style: chr18-28934756-A-C.
Other names: short protein forms E866A.
Identifiers: ClinVar variation 5005879 (VCV005005879.2).

ClinVar aggregate classification (germline): Uncertain significance (1 of 4 stars; one submission).

Conditions:
Severe dermatitis-multiple allergies-metabolic wasting syndrome. Also called: Erythroderma, congenital, with palmoplantar keratoderma, hypotrichosis, and hyper-ige; ERYTHRODERMA, CONGENITAL, WITH PALMOPLANTAR KERATODERMA, HYPOTRICHOSIS, RECURRENT INFECTIONS, AND MULTIPLE FOOD ALLERGIES; SEVERE DERMATITIS, MULTIPLE ALLERGIES, AND METABOLIC WASTING SYNDROME; SAM SYNDROME. Identifiers: Orphanet 369992, MedGen C3809719, MONDO:0014218, OMIM 615508.
Palmoplantar keratoderma i, striate, focal, or diffuse. Also called: KERATOSIS PALMOPLANTARIS STRIATA I; Keratosis Palmoplantaris Striata I, AD; STRIATE PALMOPLANTAR KERATODERMA I; KERATODERMA, PALMOPLANTAR, STRIATE FORM I; PALMOPLANTAR KERATODERMA I, STRIATE OR DIFFUSE; PALMOPLANTAR KERATODERMA I, FOCAL. Identifiers: Orphanet 369999, Orphanet 370002, MedGen C2931122, MONDO:0007859, OMIM 148700.

Submission:

Juno Genomics, Hangzhou Juno Genomics, Inc
Classification: Uncertain significance for Severe dermatitis-multiple allergies-metabolic wasting syndrome; Palmoplantar keratoderma i, striate, focal, or diffuse. Review status: criteria provided, single submitter. Criteria: ACMG Guidelines, 2015. Collection method: clinical testing. Allele origin: germline.
Comment: Absent from controls (or at extremely low frequency if recessive) in Genome Aggregation Database.;Multiple lines of computational evidence support a deleterious effect on the gene or gene product.